The following is an entry in ClinVar:

NM_003072.5(SMARCA4):c.3791C>T (p.Thr1264Met)

Gene: SMARCA4 (SWI/SNF related BAF chromatin remodeling complex subunit ATPase 4; plus strand). Cytogenetic location: 19p13.2.
Variant type: single nucleotide variant.
Coding change: c.3791C>T on transcript NM_003072.5 (MANE Select); coding-DNA position 3791, C replaced by T.
Protein change: p.Thr1264Met; replaces threonine 1264 with methionine.
Molecular consequence: missense variant. On other transcripts: intron variant (5).
Genome position (GRCh38, 1-based): chr19:11,033,783, C>T. VCF-style: chr19-11033783-C-T. GRCh37 (hg19) VCF-style: chr19-11144459-C-T.
Other names: c.3791C>T, p.Thr1264Met (NM_001128844.3, NM_001128849.3, NM_001387283.1); c.3774+266C>T (NM_001128847.4, NM_001374457.1, NM_001128845.2 and 2 more transcripts); c.3791C>T (NM_001128849.2); short protein forms T1264M.
Identifiers: ClinVar variation 408620 (VCV000408620.28), dbSNP rs377119410, ClinGen allele CA9204524.

ClinVar aggregate classification (germline): Conflicting classifications of pathogenicity. Review status: criteria provided, conflicting classifications (1 of 4 stars). 10 submissions from 10 submitters: Uncertain significance (3); Benign (1); Likely benign (6). Last evaluated 2026-02-20.

Conditions:
SMARCA4-related disorder. Also called: SMARCA4-related condition.
Hereditary cancer-predisposing syndrome. Also called: Neoplastic Syndromes, Hereditary; Tumor predisposition; Hereditary Cancer Syndrome; Hereditary neoplastic syndrome. Identifiers: Orphanet 140162, MedGen C0027672, MeSH D009386, MONDO:0015356.
Intellectual disability, autosomal dominant 16 (CSS4). Also called: COFFIN-SIRIS SYNDROME 4. Identifiers: Orphanet 1465, MedGen C3553249, MONDO:0013821, OMIM 614609.
Rhabdoid tumor predisposition syndrome 2 (RTPS2). Identifiers: Orphanet 231108, Orphanet 69077, MedGen C2750074, MONDO:0013224, OMIM 613325.

Allele frequency attached by ClinVar (database versions not stated): gnomAD exomes 0.00003 and 0.00006; ExAC 0.00004; gnomAD 0.00004 and 0.00005; TOPMed 0.00004.

Submissions (10):

Myriad Genetics, Inc.
Classification: Benign for Rhabdoid tumor predisposition syndrome 2. Last evaluated: 2026-02-20. Review status: criteria provided, single submitter. Criteria: Myriad Autosomal Dominant, Autosomal Recessive and X-Linked Classification Criteria (2023). Collection method: clinical testing. Allele origin: unknown.
Comment: This variant is considered benign. This variant has been observed at a population frequency that is significantly greater than expected given the associated disease prevalence and penetrance. Homozygosity has been confirmed in one or more individuals. As homozygosity for pathogenic variants in this gene is generally assumed to result in embryonic lethality, this variant is unlikely to be pathogenic.

Labcorp Genetics (formerly Invitae), Labcorp
Classification: Likely benign for Rhabdoid tumor predisposition syndrome 2. Last evaluated: 2026-01-28. Review status: criteria provided, single submitter. Criteria: Invitae Variant Classification Sherloc (09022015). Collection method: clinical testing. Allele origin: germline.

Dasa
Classification: Uncertain significance. Last evaluated: 2025-11-02. Review status: criteria provided, single submitter. Criteria: DASA Assertion Criteria. Collection method: clinical testing. Allele origin: germline.
Comment: NM_003072.5(SMARCA4):c.3791C>T (p.Thr1264Met) is a missense variant that results in the substitution of threonine with methionine. This variant is rare in population databases. The currently available literature and clinical evidence are not sufficient to establish a definitive association between this variant and the reported condition. Therefore, this variant is classified as a variant of uncertain significance.

Quest Diagnostics Nichols Institute San Juan Capistrano
Classification: Likely benign. Last evaluated: 2025-05-31. Review status: criteria provided, single submitter. Criteria: Quest Diagnostics criteria. Collection method: clinical testing. Allele origin: unknown.

PreventionGenetics, part of Exact Sciences
Classification: Likely benign for SMARCA4-related condition. Last evaluated: 2025-03-28. Review status: criteria provided, single submitter. Criteria: ACMG Guidelines, 2015. Collection method: clinical testing. Allele origin: germline.
Comment: This variant is classified as likely benign based on ACMG/AMP sequence variant interpretation guidelines (Richards et al. 2015 PMID: 25741868, with internal and published modifications).

Revvity Omics, Revvity
Classification: Uncertain significance for Intellectual disability, autosomal dominant 16. Last evaluated: 2024-02-05. Review status: criteria provided, single submitter. Criteria: ACMG Guidelines, 2015. Collection method: clinical testing. Allele origin: germline.

Genome-Nilou Lab
Classification: Likely benign for Intellectual disability, autosomal dominant 16. Last evaluated: 2021-07-15. Review status: criteria provided, single submitter. Criteria: ACMG Guidelines, 2015. Collection method: clinical testing. Allele origin: germline. Affected: no.

Sema4
Classification: Likely benign for Hereditary cancer-predisposing syndrome. Last evaluated: 2020-11-12. Review status: criteria provided, single submitter. Criteria: Sema4 Curation Guidelines. Collection method: curation. Allele origin: germline.

Ambry Genetics
Classification: Likely benign for Hereditary cancer-predisposing syndrome. Last evaluated: 2020-10-15. Review status: criteria provided, single submitter. Criteria: Ambry Variant Classification Scheme 2023. Collection method: clinical testing. Allele origin: germline.

GeneDx
Classification: Uncertain significance. Last evaluated: 2016-07-08. Review status: criteria provided, single submitter. Criteria: GeneDx Variant Classification (06012015). Collection method: clinical testing. Allele origin: germline. Affected: yes.
Comment: This variant is denoted SMARCA4 c.3791C>T at the cDNA level, p.Thr1264Met (T1264M) at the protein level, and results in the change of a Threonine to a Methionine (ACG>ATG). This variant has not, to our knowledge, been published in the literature as pathogenic or benign. SMARCA4 Thr1264Met was not observed in approximately 6,500 individuals of European and African American ancestry in the NHLBI Exome Sequencing Project, suggesting it is not a common benign variant in these populations. Since Threonine and Methionine differ in polarity, charge, size or other properties, this is considered a non-conservative amino acid substitution. SMARCA4 Thr1264Met occurs at a position that is not conserved and is not located in a known functional domain (Witkowski 2014). In silico analyses are inconsistent regarding the effect this variant may have on protein structure and function. Based on currently available evidence, it is unclear whether SMARCA4 Thr1264Met is a pathogenic or benign variant. We consider it to be a variant of uncertain significance.

Literature cited by the submitters: PubMed 32600061 (cited by Quest Diagnostics Nichols Institute San Juan Capistrano); PubMed 34754157 (cited by Quest Diagnostics Nichols Institute San Juan Capistrano); PubMed 31133068 (cited by Quest Diagnostics Nichols Institute San Juan Capistrano); PubMed 25801821 (cited by Quest Diagnostics Nichols Institute San Juan Capistrano); PubMed 39494597 (cited by Quest Diagnostics Nichols Institute San Juan Capistrano).